The following is an entry in ClinVar:

ClinVar aggregate classification (germline): Benign (1 of 4 stars; one submission).

Conditions:
Holoprosencephaly 11 (HPE11). Identifiers: Orphanet 2162, MedGen C3280215, MONDO:0013642, OMIM 614226.

Allele frequency attached by ClinVar (database versions not stated): 1000 Genomes Project 30x 0.00468; 1000 Genomes Project 0.00419; gnomAD 0.00007 and 0.00061; TOPMed 0.00011.

Submission:

Illumina Laboratory Services, Illumina
Classification: Benign for Holoprosencephaly 11. Last evaluated: 2018-01-13. Review status: criteria provided, single submitter. Criteria: ICSL Variant Classification Criteria 13 December 2019. Collection method: clinical testing. Allele origin: germline.
Comment: This variant was observed in the ICSL laboratory as part of a predisposition screen in an ostensibly healthy population. It had not been previously curated by ICSL or reported in the Human Gene Mutation Database (HGMD: prior to June 1st, 2018), and was therefore a candidate for classification through an automated scoring system. Utilizing variant allele frequency, disease prevalence and penetrance estimates, and inheritance mode, an automated score was calculated to assess if this variant is too frequent to cause the disease. Based on the score and internal cut-off values, a variant classified as benign is not then subjected to further curation. The score for this variant resulted in a classification of benign for this disease.

NM_001378964.1(CDON):c.*911T>C

Gene: CDON (cell adhesion associated, oncogene regulated; minus strand). Cytogenetic location: 11q24.2.
Variant type: single nucleotide variant.
Coding change: c.*911T>C on transcript NM_001378964.1 (MANE Select); 911 bases downstream of the stop codon, T replaced by C.
Molecular consequence: 3 prime UTR variant.
Genome position (GRCh38, 1-based): chr11:125,960,031, A>G on the plus strand (T>C on the coding strand, the complement: CDON is on the minus strand). VCF-style: chr11-125960031-A-G. GRCh37 (hg19) VCF-style: chr11-125829926-A-G.
Other names: c.*911T>C (NM_001243597.3, NM_016952.6).
Identifiers: ClinVar variation 303475 (VCV000303475.5), dbSNP rs369720108, ClinGen allele CA10638378.